The following is an entry in ClinVar:

NM_000179.3(MSH6):c.1795G>C (p.Gly599Arg)

Gene: MSH6 (mutS homolog 6; plus strand). Cytogenetic location: 2p16.3.
Variant type: single nucleotide variant.
Coding change: c.1795G>C on transcript NM_000179.3 (MANE Select); coding-DNA position 1795, G replaced by C.
Protein change: p.Gly599Arg; replaces glycine 599 with arginine.
Molecular consequence: missense variant.
Genome position (GRCh38, 1-based): chr2:47,799,778, G>C. VCF-style: chr2-47799778-G-C. GRCh37 (hg19) VCF-style: chr2-48026917-G-C.
Other names: c.1405G>C, p.Gly469Arg (NM_001281492.2); c.889G>C, p.Gly297Arg (NM_001281493.2, NM_001281494.2); short protein forms G599R, G297R, G469R.
Identifiers: ClinVar variation 237144 (VCV000237144.28), dbSNP rs756043669, ClinGen allele CA068155.

ClinVar aggregate classification (germline): Conflicting classifications of pathogenicity. Review status: criteria provided, conflicting classifications (1 of 4 stars). 8 submissions from 8 submitters: Uncertain significance (7); Likely benign (1). Last evaluated 2026-01-18.

Conditions:
Lynch syndrome. Identifiers: Orphanet 144, MedGen C4552100, MONDO:0005835. Disease mechanism: loss of function.
Endometrial carcinoma. Also called: Endometrial carcinoma, somatic. Identifiers: MedGen C0476089, MONDO:0002447, OMIM 608089, HP:0012114.
Hereditary nonpolyposis colorectal neoplasms. Identifiers: MedGen C0009405, MeSH D003123.
Hereditary cancer-predisposing syndrome. Also called: Neoplastic Syndromes, Hereditary; Hereditary Cancer Syndrome; Tumor predisposition; Hereditary neoplastic syndrome. Identifiers: Orphanet 140162, MedGen C0027672, MeSH D009386, MONDO:0015356.

Allele frequency attached by ClinVar (database versions not stated): gnomAD exomes below 0.00001; ExAC 0.00001; gnomAD 0.00001; TOPMed 0.00001.
gnomAD v4.1: 5 of 1,614,006 alleles (0.00031%); highest among the groups gnomAD compares: South Asian, 0.0011%; no homozygotes.

Submissions (8):

Labcorp Genetics (formerly Invitae), Labcorp
Classification: Likely benign for Hereditary nonpolyposis colorectal neoplasms. Last evaluated: 2026-01-18. Review status: criteria provided, single submitter. Criteria: Invitae Variant Classification Sherloc (09022015). Collection method: clinical testing. Allele origin: germline.

Ambry Genetics
Classification: Uncertain significance for Hereditary cancer-predisposing syndrome. Last evaluated: 2024-09-05. Review status: criteria provided, single submitter. Criteria: Ambry Variant Classification Scheme 2023. Collection method: clinical testing. Allele origin: germline.
Comment: The p.G599R variant (also known as c.1795G>C), located in coding exon 4 of the MSH6 gene, results from a G to C substitution at nucleotide position 1795. The glycine at codon 599 is replaced by arginine, an amino acid with dissimilar properties. This amino acid position is highly conserved in available vertebrate species. In addition, this alteration is predicted to be deleterious by in silico analysis. Based on the available evidence, the clinical significance of this variant remains unclear.

Blueprint Genetics
Classification: Uncertain significance. Last evaluated: 2024-08-05. Review status: criteria provided, single submitter. Criteria: ACMG Guidelines, 2015. Collection method: clinical testing. Allele origin: germline.

All of Us Research Program, National Institutes of Health
Classification: Uncertain significance for Lynch syndrome. Last evaluated: 2024-07-29. Review status: criteria provided, single submitter. Criteria: ACMG Guidelines, 2015. Collection method: clinical testing. Allele origin: germline. Inheritance: Autosomal dominant inheritance. Observed: 1 variant allele, 1 heterozygote.
Comment: This missense variant replaces glycine with arginine at codon 599 of the MSH6 protein. Computational prediction suggests that this variant may have deleterious impact on protein structure and function (internally defined REVEL score threshold >= 0.7, PMID: 27666373). To our knowledge, functional studies have not been reported for this variant. This variant has not been reported in individuals affected with MSH6-related disorders in the literature. This variant has been identified in 1/250374 chromosomes in the general population by the Genome Aggregation Database (gnomAD). The available evidence is insufficient to determine the role of this variant in disease conclusively. Therefore, this variant is classified as a Variant of Uncertain Significance.

This study involves interpretation of variants in research participants for the purpose of population health screening. Participant phenotype was not available at the time of variant classification. Additional details can be found in publication PMID: 35346344, PMCID: PMC8962531

Quest Diagnostics Nichols Institute San Juan Capistrano
Classification: Uncertain significance. Last evaluated: 2024-06-10. Review status: criteria provided, single submitter. Criteria: Quest Diagnostics criteria. Collection method: clinical testing. Allele origin: unknown.
Comment: The MSH6 c.1795G>C (p.Gly599Arg) variant has been identified in the published literature in a reportedly healthy individual (PMID: 32459922 (2020)). The frequency of this variant in the general population, 0.000004 (1/250374 chromosomes (Genome Aggregation Database)), is uninformative in the assessment of its pathogenicity. Analysis of this variant using bioinformatics tools for the prediction of the effect of amino acid changes on protein structure and function yielded predictions that this variant is damaging. Based on the available information, we are unable to determine the clinical significance of this variant.

Color Diagnostics, LLC DBA Color Health
Classification: Uncertain significance for Hereditary cancer-predisposing syndrome. Last evaluated: 2024-01-02. Review status: criteria provided, single submitter. Criteria: ACMG Guidelines, 2015. Collection method: clinical testing. Allele origin: germline.
Comment: This missense variant replaces glycine with arginine at codon 599 of the MSH6 protein. Computational prediction suggests that this variant may have deleterious impact on protein structure and function (internally defined REVEL score threshold >= 0.7, PMID: 27666373). To our knowledge, functional studies have not been reported for this variant. This variant has not been reported in individuals affected with MSH6-related disorders in the literature. This variant has been identified in 1/250374 chromosomes in the general population by the Genome Aggregation Database (gnomAD). The available evidence is insufficient to determine the role of this variant in disease conclusively. Therefore, this variant is classified as a Variant of Uncertain Significance.

Baylor Genetics
Classification: Uncertain significance for Endometrial carcinoma. Last evaluated: 2023-12-01. Review status: criteria provided, single submitter. Criteria: ACMG Guidelines, 2015. Collection method: clinical testing. Allele origin: unknown.

ARUP Laboratories, Molecular Genetics and Genomics, ARUP Laboratories
Classification: Uncertain significance. Last evaluated: 2017-05-01. Review status: criteria provided, single submitter. Criteria: ARUP Molecular Germline Variant Investigation Process. Collection method: clinical testing. Allele origin: germline.

Literature cited by the submitters: PubMed 32459922 (cited by Ambry Genetics and Quest Diagnostics Nichols Institute San Juan Capistrano); PubMed 35451682 (cited by Quest Diagnostics Nichols Institute San Juan Capistrano).